The following is an entry in ClinVar:

ClinVar aggregate classification (germline): Pathogenic (1 of 4 stars; one submission).

Submission:

Labcorp Genetics (formerly Invitae), Labcorp
Classification: Pathogenic. Last evaluated: 2024-01-08. Review status: criteria provided, single submitter. Criteria: Invitae Variant Classification Sherloc (09022015). Collection method: clinical testing. Allele origin: germline.
Comment: This sequence change creates a premature translational stop signal (p.Tyr256_Val257insArg*) in the FMO3 gene. It is expected to result in an absent or disrupted protein product. Loss-of-function variants in FMO3 are known to be pathogenic (PMID: 20301282). This variant is not present in population databases (gnomAD no frequency). This variant has not been reported in the literature in individuals affected with FMO3-related conditions. For these reasons, this variant has been classified as Pathogenic.

Literature cited by the submitters: PubMed 20301282.

NM_001002294.3(FMO3):c.768_769insAGATGACTG (p.Val257delinsArgTer)

Gene: FMO3 (flavin containing dimethylaniline monoxygenase 3; plus strand). Cytogenetic location: 1q24.3.
Variant type: Insertion.
Coding change: c.768_769insAGATGACTG on transcript NM_001002294.3 (MANE Select); coding-DNA positions 768 to 769, AGATGACTG inserted.
Protein change: p.Val257delinsArgTer.
Molecular consequence: nonsense.
Genome position: GRCh38 VCF-style: chr1-171110938-C-CAGATGACTG. GRCh37 (hg19) VCF-style: chr1-171080079-C-CAGATGACTG.
Other names: c.708_709insAGATGACTG, p.Val237delinsArgTer (NM_001319173.2); c.579_580insAGATGACTG, p.Val194delinsArgTer (NM_001319174.2); c.768_769insAGATGACTG, p.Val257delinsArgTer (NM_006894.6).
Identifiers: ClinVar variation 2708285 (VCV002708285.3), dbSNP rs2526341517, ClinGen allele CA2697554673.